The following is an entry in ClinVar:

ClinVar aggregate classification (germline): Likely benign (1 of 4 stars; one submission).

Conditions:
PMM2-related disorder. Also called: PMM2-related condition.

gnomAD v4.1: 91 of 985,328 alleles (0.0092%); highest among the groups gnomAD compares: Non-Finnish European, 0.0099%; no homozygotes.

Submission:

PreventionGenetics, part of Exact Sciences
Classification: Likely benign for PMM2-related condition. Last evaluated: 2026-03-07. Review status: criteria provided, single submitter. Criteria: ACMG Guidelines, 2015. Collection method: clinical testing. Allele origin: germline.
Comment: This variant is classified as likely benign based on ACMG/AMP sequence variant interpretation guidelines (Richards et al. 2015 PMID: 25741868, with internal and published modifications).

NM_000303.3(PMM2):c.640-15473G>A

Gene: PMM2 (phosphomannomutase 2; plus strand). Cytogenetic location: 16p13.2.
Variant type: single nucleotide variant.
Coding change: c.640-15473G>A on transcript NM_000303.3 (MANE Select); 15473 bases into the intron before coding-DNA position 640, G replaced by A.
Molecular consequence: intron variant.
Genome position (GRCh38, 1-based): chr16:8,832,251, G>A. VCF-style: chr16-8832251-G-A. GRCh37 (hg19) VCF-style: chr16-8926108-G-A.
Identifiers: ClinVar variation 4981008 (VCV004981008.1).